The following is an entry in ClinVar:

ClinVar aggregate classification (germline): Uncertain significance (1 of 4 stars; one submission).

Conditions:
Vanishing white matter disease. Also called: CACH syndrome; Childhood ataxia with diffuse central nervous system hypomyelination; Leukoencephalopathy with vanishing white matter; CACH/VWM syndrome; Cree leukoencehalopathy. Identifiers: Orphanet 135, Orphanet 99853, MedGen C1858991, MONDO:0800448.

Submission:

3billion
Classification: Uncertain significance for Leukoencephalopathy with vanishing white matter 1. Last evaluated: 2023-02-23. Review status: criteria provided, single submitter. Criteria: ACMG Guidelines, 2015. Collection method: clinical testing. Allele origin: unknown. Affected: yes.
Comment: The variant is not observed in the gnomAD v2.1.1 dataset. Missense changes are a common disease-causing mechanism. In silico tool predictions suggest damaging effect of the variant on gene or gene product (REVEL: 0.81; 3Cnet: 0.77). A different missense change at the same codon (p.Tyr319Cys) has been reported to be associated with EIF2B5 related disorder (PMID: 30315562). However the evidence of pathogenicity is insufficient at this time. Therefore, this variant is classified as VUS according to the recommendation of ACMG/AMP guideline.

Literature cited by the submitters: PubMed 30315562.

NM_003907.3(EIF2B5):c.955T>C (p.Tyr319His)

Gene: EIF2B5 (eukaryotic translation initiation factor 2B subunit epsilon; plus strand). Cytogenetic location: 3q27.1.
Variant type: single nucleotide variant.
Coding change: c.955T>C on transcript NM_003907.3 (MANE Select); coding-DNA position 955, T replaced by C.
Protein change: p.Tyr319His; replaces tyrosine 319 with histidine.
Molecular consequence: missense variant.
Genome position (GRCh38, 1-based): chr3:184,140,529, T>C. VCF-style: chr3-184140529-T-C. GRCh37 (hg19) VCF-style: chr3-183858317-T-C.
Other names: short protein forms Y319H.
Identifiers: ClinVar variation 2444340 (VCV002444340.1), dbSNP rs2473666024, ClinGen allele CA355385317.